The following is an entry in ClinVar:

ClinVar aggregate classification (germline): Uncertain significance (1 of 4 stars; one submission).

Conditions:
Familial thoracic aortic aneurysm and aortic dissection (TAAD). Also called: Thoracic aortic aneurysms and dissections. Identifiers: Orphanet 91387, MedGen C4707243, MONDO:0019625.

Submission:

Ambry Genetics
Classification: Uncertain significance for Familial thoracic aortic aneurysm and aortic dissection. Last evaluated: 2021-11-09. Review status: criteria provided, single submitter. Criteria: Ambry Variant Classification Scheme 2023. Collection method: clinical testing. Allele origin: germline.
Comment: The p.V1937L variant (also known as c.5809G>C), located in coding exon 40 of the MYH11 gene, results from a G to C substitution at nucleotide position 5809. The valine at codon 1937 is replaced by leucine, an amino acid with highly similar properties. This amino acid position is conserved. In addition, this alteration is predicted to be tolerated by in silico analysis. Since supporting evidence is limited at this time, the clinical significance of this alteration remains unclear.

NM_002474.3(MYH11):c.5809G>C (p.Val1937Leu)

Genes: MYH11 (myosin heavy chain 11; minus strand), NDE1 (nudE neurodevelopment protein 1; plus strand). Cytogenetic location: 16p13.11.
Variant type: single nucleotide variant.
Coding change: c.5809G>C on transcript NM_002474.3 (MANE Select); coding-DNA position 5809, G replaced by C.
Protein change: p.Val1937Leu; replaces valine 1937 with leucine.
Molecular consequence: missense variant. On other transcripts: 3 prime UTR variant (2), intron variant (2).
Genome position (GRCh38, 1-based): chr16:15,704,101, C>G on the plus strand (G>C on the coding strand, the complement: MYH11 is on the minus strand). VCF-style: chr16-15704101-C-G. GRCh37 (hg19) VCF-style: chr16-15797958-C-G.
Other names: c.*31G>C (NM_001040113.2, NM_022844.3); c.5830G>C, p.Val1944Leu (NM_001040114.2); c.947+7241C>G (NM_001143979.2, NM_017668.3); short protein forms V1937L, V1944L.
Identifiers: ClinVar variation 1749825 (VCV001749825.2), dbSNP rs756122406, ClinGen allele CA394843939.